The following is an entry in ClinVar:

NM_012186.3(FOXE3):c.464T>C (p.Phe155Ser)

Genes: FOXE3 (forkhead box E3; plus strand), LINC01389 (long independently transcribed non-coding RNA 1389; minus strand). Cytogenetic location: 1p33.
Variant type: single nucleotide variant.
Coding change: c.464T>C on transcript NM_012186.3 (MANE Select); coding-DNA position 464, T replaced by C.
Protein change: p.Phe155Ser; replaces phenylalanine 155 with serine.
Molecular consequence: missense variant.
Genome position (GRCh38, 1-based): chr1:47,416,779, T>C. VCF-style: chr1-47416779-T-C. GRCh37 (hg19) VCF-style: chr1-47882451-T-C.
Other names: short protein forms F155S.
Identifiers: ClinVar variation 3759020 (VCV003759020.2).
Genomic context (GRCh38, chr1:47,416,779, plus strand): 5'-AGCCGGGCAACCCGGGCAAGGGCAACTACTGGACGCTGGACCCCGCGGCCGCAGACATGT[T>C]CGACAACGGCAGCTTCCTGCGGCGCCGCAAGCGCTTCAAGCGCGCCGAGCTGCCCGCGCA-3'
Protein context (NP_036318.1, residues 145-165): WTLDPAAADM[Phe155Ser]DNGSFLRRRK

ClinVar aggregate classification (germline): Uncertain significance (1 of 4 stars; one submission).

Conditions:
Congenital primary aphakia. Also called: Anterior segment dysgenesis 2, multiple subtypes; ANTERIOR SEGMENT DYSGENESIS 2. Identifiers: Orphanet 83461, MedGen C1853230, MONDO:0012456, OMIM 610256.
Anterior segment dysgenesis. Also called: Ocular anterior segment dysgenesis. Identifiers: Orphanet 88632, MedGen C1862839, MONDO:0019503, HP:0007700.

Submission:

Labcorp Genetics (formerly Invitae), Labcorp
Classification: Uncertain significance for Anterior segment dysgenesis; Congenital primary aphakia. Last evaluated: 2024-01-26. Review status: criteria provided, single submitter. Criteria: Invitae Variant Classification Sherloc (09022015). Collection method: clinical testing. Allele origin: germline.
Comment: This sequence change replaces phenylalanine, which is neutral and non-polar, with serine, which is neutral and polar, at codon 155 of the FOXE3 protein (p.Phe155Ser). This variant is not present in population databases (gnomAD no frequency). This variant has not been reported in the literature in individuals affected with FOXE3-related conditions. Advanced modeling of protein sequence and biophysical properties (such as structural, functional, and spatial information, amino acid conservation, physicochemical variation, residue mobility, and thermodynamic stability) has been performed at Invitae for this missense variant, however the output from this modeling did not meet the statistical confidence thresholds required to predict the impact of this variant on FOXE3 protein function. In summary, the available evidence is currently insufficient to determine the role of this variant in disease. Therefore, it has been classified as a Variant of Uncertain Significance.